The following is an entry in ClinVar:

NM_020320.5(RARS2):c.943C>T (p.Arg315Ter)

Gene: RARS2 (arginyl-tRNA synthetase 2, mitochondrial; minus strand). Cytogenetic location: 6q15.
Variant type: single nucleotide variant.
Coding change: c.943C>T on transcript NM_020320.5 (MANE Select); coding-DNA position 943, C replaced by T.
Protein change: p.Arg315Ter; replaces arginine 315 with a stop codon.
Molecular consequence: nonsense. On other transcripts: non-coding transcript variant (23).
Genome position (GRCh38, 1-based): chr6:87,524,588, G>A on the plus strand (C>T on the coding strand, the complement: RARS2 is on the minus strand). VCF-style: chr6-87524588-G-A. GRCh37 (hg19) VCF-style: chr6-88234306-G-A.
Other names: p.R315*:CGA>TGA; c.418C>T, p.Arg140Ter (NM_001318785.2, NM_001350506.2, NM_001350507.2 and 4 more transcripts); c.943C>T, p.Arg315Ter (NM_001350505.2); c.943C>T (NM_020320.4); short protein forms R315*, R140*.
Identifiers: ClinVar variation 215061 (VCV000215061.54), dbSNP rs199835443, ClinGen allele CA325286.
Genomic context (GRCh38, chr6:87,524,588, plus strand): 5'-AAATGTTGACCCTCACAGAGGCTACAAACCTGGTTGCATAGAGAGAAGTCCCATCACTTC[G>A]CATTACAGTACAAATTGAGGAGGGGTCGCCATTCCCAGAGAGATCTACTACAGCCGTTCC-3'

ClinVar aggregate classification (germline): Pathogenic/Likely pathogenic. Review status: criteria provided, multiple submitters, no conflicts (2 of 4 stars). 6 submissions from 6 submitters: Pathogenic (5); Likely pathogenic (1). Last evaluated 2025-10-27.

Conditions:
Pontocerebellar hypoplasia type 6 (PCH6). Identifiers: Orphanet 166073, MedGen C1969084, MONDO:0012683, OMIM 611523.

Allele frequency attached by ClinVar (database versions not stated): gnomAD exomes 0.00001; TOPMed 0.00003; gnomAD 0.00004; ESP Exome Variant Server 0.00008.
gnomAD v4.1: 27 of 1,612,990 alleles (0.0017%); highest among the groups gnomAD compares: Admixed American, 0.005%; no homozygotes.

Submissions (6):

Natera, Inc.
Classification: Pathogenic for Pontocerebellar hypoplasia, type 6. Last evaluated: 2025-10-27. Review status: criteria provided, single submitter. Criteria: Natera Variant Classification Schema (03/2026). Collection method: clinical testing. Allele origin: germline.
Comment: The c.943C>T variant in RARS2 is a nonsense variant predicted to introduce a stop codon at amino acid 315. This variant is expected to result in nonsense mediated decay, truncation, or a dysfunctional protein product. This variant is rare in the general population with a frequency below the threshold expected for the associated phenotype(s). This variant has been observed in one or more individuals affected with the associated recessive disease, as either homozygous or compound heterozygous with a second variant (PMID: 33798445). Given the available evidence, this variant is classified as Pathogenic.

Labcorp Genetics (formerly Invitae), Labcorp
Classification: Pathogenic. Last evaluated: 2025-08-11. Review status: criteria provided, single submitter. Criteria: Invitae Variant Classification Sherloc (09022015). Collection method: clinical testing. Allele origin: germline.
Comment: This sequence change creates a premature translational stop signal (p.Arg315*) in the RARS2 gene. It is expected to result in an absent or disrupted protein product. Loss-of-function variants in RARS2 are known to be pathogenic (PMID: 17847012, 22569581, 26083569). This variant is present in population databases (rs199835443, gnomAD 0.01%). This variant has not been reported in the literature in individuals affected with RARS2-related conditions. ClinVar contains an entry for this variant (Variation ID: 215061). Algorithms developed to predict the effect of sequence changes on RNA splicing suggest that this variant may disrupt the consensus splice site. For these reasons, this variant has been classified as Pathogenic.

GeneDx
Classification: Likely pathogenic. Last evaluated: 2025-07-08. Review status: criteria provided, single submitter. Criteria: GeneDx Variant Classification Process June 2021. Collection method: clinical testing. Allele origin: germline. Affected: yes.
Comment: Observed with a second RARS2 variant in siblings with pontocerebellar hypoplasia (PMID: 33798445); Nonsense variant predicted to result in protein truncation [or nonsense mediated decay] in a gene for which loss of function is a known mechanism of disease; Not observed at significant frequency in large population cohorts (gnomAD); This variant is associated with the following publications: (PMID: 31589614, 33798445)

Baylor Genetics
Classification: Pathogenic for Pontocerebellar hypoplasia type 6. Last evaluated: 2024-01-25. Review status: criteria provided, single submitter. Criteria: ACMG Guidelines, 2015. Collection method: clinical testing. Allele origin: unknown.

CeGaT Center for Human Genetics Tuebingen
Classification: Pathogenic. Last evaluated: 2021-07-01. Review status: criteria provided, single submitter. Criteria: CeGaT Center For Human Genetics Tuebingen Variant Classification Criteria Version 2. Collection method: clinical testing. Allele origin: germline. Affected: yes. Observed: 1 variant allele.

Institute of Human Genetics Munich, TUM University Hospital
Classification: Pathogenic for Pontocerebellar hypoplasia type 6. Last evaluated: 2018-08-16. Review status: criteria provided, single submitter. Criteria: Classification criteria August 2017. Collection method: clinical testing. Allele origin: maternal. Inheritance: Autosomal recessive inheritance. Affected: yes. Observed: 1 compound heterozygote.

Literature cited by the submitters: PubMed 33798445 (cited by Natera, Inc.); PubMed 17847012 (cited by Labcorp Genetics (formerly Invitae), Labcorp); PubMed 22569581 (cited by Labcorp Genetics (formerly Invitae), Labcorp); PubMed 26083569 (cited by Labcorp Genetics (formerly Invitae), Labcorp).